The following is an entry in ClinVar:

ClinVar aggregate classification (germline): Uncertain significance (1 of 4 stars; one submission).

Conditions:
POLD1-related polyposis and colorectal cancer syndrome (CRCS10). Also called: Colorectal cancer 10; COLORECTAL CANCER, SUSCEPTIBILITY TO, ON CHROMOSOME 19q; Colorectal cancer, susceptibility to, 10. Identifiers: Orphanet 220460, MedGen C2675481, MONDO:0012953, OMIM 612591.

Submission:

Labcorp Genetics (formerly Invitae), Labcorp
Classification: Uncertain significance for POLD1-related polyposis and colorectal cancer syndrome. Last evaluated: 2025-08-25. Review status: criteria provided, single submitter. Criteria: Invitae Variant Classification Sherloc (09022015). Collection method: clinical testing. Allele origin: germline.
Comment: This sequence change replaces arginine, which is basic and polar, with leucine, which is neutral and non-polar, at codon 1009 of the POLD1 protein (p.Arg1009Leu). This variant is not present in population databases (gnomAD no frequency). This variant has not been reported in the literature in individuals affected with POLD1-related conditions. ClinVar contains an entry for this variant (Variation ID: 1057541). Invitae Evidence Modeling of protein sequence and biophysical properties (such as structural, functional, and spatial information, amino acid conservation, physicochemical variation, residue mobility, and thermodynamic stability) indicates that this missense variant is not expected to disrupt POLD1 protein function with a negative predictive value of 80%. In summary, the available evidence is currently insufficient to determine the role of this variant in disease. Therefore, it has been classified as a Variant of Uncertain Significance.

NM_002691.4(POLD1):c.3026G>T (p.Arg1009Leu)

Gene: POLD1 (DNA polymerase delta 1, catalytic subunit; plus strand). Cytogenetic location: 19q13.33.
Variant type: single nucleotide variant.
Coding change: c.3026G>T on transcript NM_002691.4 (MANE Select); coding-DNA position 3026, G replaced by T.
Protein change: p.Arg1009Leu; replaces arginine 1009 with leucine.
Molecular consequence: missense variant. On other transcripts: non-coding transcript variant (1).
Genome position (GRCh38, 1-based): chr19:50,416,682, G>T. VCF-style: chr19-50416682-G-T. GRCh37 (hg19) VCF-style: chr19-50919939-G-T.
Other names: c.3104G>T, p.Arg1035Leu (NM_001308632.1); c.3026G>T, p.Arg1009Leu (NM_001256849.1); short protein forms R1009L, R1035L.
Identifiers: ClinVar variation 1057541 (VCV001057541.9), dbSNP rs757190258, ClinGen allele CA406986945.
Genomic context (GRCh38, chr19:50,416,682, plus strand): 5'-CGCGCTGCAAGACGGTGCTCACGGGCAAGGTGGGCGGCCTCCTGGCCTTCGCCAAACGCC[G>T]CAACTGCTGCATTGGCTGCCGCACAGTGCTCAGCCACCAGGGTGAGCGGCCCTGGCCACT-3'
Protein context (NP_002682.2, residues 999-1019): VGGLLAFAKR[Arg1009Leu]NCCIGCRTVL